The following is an entry in ClinVar:

ClinVar aggregate classification (germline): Uncertain significance (1 of 4 stars; one submission).

Submission:

Labcorp Genetics (formerly Invitae), Labcorp
Classification: Uncertain significance. Last evaluated: 2026-01-23. Review status: criteria provided, single submitter. Criteria: Invitae Variant Classification Sherloc (09022015). Collection method: clinical testing. Allele origin: germline.
Comment: This sequence change replaces arginine, which is basic and polar, with cysteine, which is neutral and slightly polar, at codon 21 of the ATP9A protein (p.Arg21Cys). This variant is present in population databases (no rsID available, gnomAD 0.01%). This variant has not been reported in the literature in individuals affected with ATP9A-related conditions. An algorithm developed to predict the effect of missense changes on protein structure and function (PolyPhen-2) suggests that this variant is likely to be tolerated. In summary, the available evidence is currently insufficient to determine the role of this variant in disease. Therefore, it has been classified as a Variant of Uncertain Significance.

NM_006045.3(ATP9A):c.61C>T (p.Arg21Cys)

Gene: ATP9A (ATPase phospholipid transporting 9A; minus strand). Cytogenetic location: 20q13.2.
Variant type: single nucleotide variant.
Coding change: c.61C>T on transcript NM_006045.3 (MANE Select); coding-DNA position 61, C replaced by T.
Protein change: p.Arg21Cys; replaces arginine 21 with cysteine.
Molecular consequence: missense variant.
Genome position (GRCh38, 1-based): chr20:51,768,309, G>A on the plus strand (C>T on the coding strand, the complement: ATP9A is on the minus strand). VCF-style: chr20-51768309-G-A. GRCh37 (hg19) VCF-style: chr20-50384848-G-A.
Other names: short protein forms R21C.
Identifiers: ClinVar variation 4711580 (VCV004711580.1).